The following is an entry in ClinVar:

NM_001080517.3(SETD5):c.2708C>G (p.Thr903Ser)

Gene: SETD5 (SET domain containing 5; plus strand). Cytogenetic location: 3p25.3.
Variant type: single nucleotide variant.
Coding change: c.2708C>G on transcript NM_001080517.3 (MANE Select); coding-DNA position 2708, C replaced by G.
Protein change: p.Thr903Ser; replaces threonine 903 with serine.
Molecular consequence: missense variant.
Genome position (GRCh38, 1-based): chr3:9,464,656, C>G. VCF-style: chr3-9464656-C-G. GRCh37 (hg19) VCF-style: chr3-9506340-C-G.
Other names: c.2414C>G, p.Thr805Ser (NM_001292043.2, NM_001349451.2); short protein forms T805S, T903S.
Identifiers: ClinVar variation 1695695 (VCV001695695.2), dbSNP rs2125501947, ClinGen allele CA351708524.

ClinVar aggregate classification (germline): Uncertain significance (1 of 4 stars; one submission).

gnomAD v4.1: 1 of 1,614,020 alleles (0.000062%); highest among the groups gnomAD compares: South Asian, 0.0011%; no homozygotes.

Submission:

GeneDx
Classification: Uncertain significance. Last evaluated: 2022-01-04. Review status: criteria provided, single submitter. Criteria: GeneDx Variant Classification Process June 2021. Collection method: clinical testing. Allele origin: germline. Affected: yes.
Comment: Not observed at significant frequency in large population cohorts (gnomAD); In silico analysis supports that this missense variant does not alter protein structure/function; Has not been previously published as pathogenic or benign to our knowledge